The following is an entry in ClinVar:

ClinVar aggregate classification (germline): Uncertain significance (1 of 4 stars; one submission).

Allele frequency attached by ClinVar (database versions not stated): gnomAD exomes below 0.00001 and 0.00001; TOPMed below 0.00001.
gnomAD v4.1: 4 of 1,614,000 alleles (0.00025%); highest among the groups gnomAD compares: Non-Finnish European, 0.00034%; no homozygotes.

Submission:

Labcorp Genetics (formerly Invitae), Labcorp
Classification: Uncertain significance. Last evaluated: 2021-09-30. Review status: criteria provided, single submitter. Criteria: Invitae Variant Classification Sherloc (09022015). Collection method: clinical testing. Allele origin: germline.
Comment: Algorithms developed to predict the effect of missense changes on protein structure and function (SIFT, PolyPhen-2, Align-GVGD) all suggest that this variant is likely to be disruptive. In summary, the available evidence is currently insufficient to determine the role of this variant in disease. Therefore, it has been classified as a Variant of Uncertain Significance. This variant has not been reported in the literature in individuals affected with ROM1-related conditions. This variant is not present in population databases (ExAC no frequency). This sequence change replaces leucine with proline at codon 129 of the ROM1 protein (p.Leu129Pro). The leucine residue is highly conserved and there is a moderate physicochemical difference between leucine and proline.

NM_000327.4(ROM1):c.386T>C (p.Leu129Pro)

Gene: ROM1 (retinal outer segment membrane protein 1; plus strand). Cytogenetic location: 11q12.3.
Variant type: single nucleotide variant.
Coding change: c.386T>C on transcript NM_000327.4 (MANE Select); coding-DNA position 386, T replaced by C.
Protein change: p.Leu129Pro; replaces leucine 129 with proline.
Molecular consequence: missense variant.
Genome position (GRCh38, 1-based): chr11:62,613,667, T>C. VCF-style: chr11-62613667-T-C. GRCh37 (hg19) VCF-style: chr11-62381139-T-C.
Other names: short protein forms L129P.
Identifiers: ClinVar variation 1431941 (VCV001431941.6), dbSNP rs1477494423, ClinGen allele CA380969566.